The following is an entry in ClinVar:

NM_006885.4(ZFHX3):c.120G>A (p.Glu40=)

Gene: ZFHX3 (zinc finger homeobox 3; minus strand). Cytogenetic location: 16q22.3.
Variant type: single nucleotide variant.
Coding change: c.120G>A on transcript NM_006885.4 (MANE Select); coding-DNA position 120, G replaced by A.
Protein change: p.Glu40=; no amino-acid change (glutamic acid 40 retained).
Molecular consequence: synonymous variant. On other transcripts: intron variant (1).
Genome position (GRCh38, 1-based): chr16:72,960,026, C>T on the plus strand (G>A on the coding strand, the complement: ZFHX3 is on the minus strand). VCF-style: chr16-72960026-C-T. GRCh37 (hg19) VCF-style: chr16-72993925-C-T.
Other names: c.120G>A, p.Glu40= (NM_001386735.1); c.-23-9061G>A (NM_001164766.2).
Identifiers: ClinVar variation 3056905 (VCV003056905.2), dbSNP rs62053192, ClinGen allele CA8165112.

ClinVar aggregate classification (germline): Benign (0 of 4 stars; one submission).

Conditions:
ZFHX3-related disorder. Also called: ZFHX3-related condition.

Allele frequency attached by ClinVar (database versions not stated): 1000 Genomes Project 30x 0.02701; 1000 Genomes Project 0.02776; TOPMed 0.04477; gnomAD 0.04835; ESP Exome Variant Server 0.05148; ExAC 0.05503; gnomAD exomes 0.07162.
gnomAD v4.1: 111,488 of 1,613,942 alleles (6.9%); highest among the groups gnomAD compares: Non-Finnish European, 8%; 4,382 homozygotes.

Submission:

PreventionGenetics, part of Exact Sciences
Classification: Benign for ZFHX3-related condition. Last evaluated: 2019-07-15. Review status: no assertion criteria provided. Collection method: clinical testing. Allele origin: germline.
Comment: This variant is classified as benign based on ACMG/AMP sequence variant interpretation guidelines (Richards et al. 2015 PMID: 25741868, with internal and published modifications).